The following is an entry in ClinVar:

NC_000006.12:g.109465671A>G

Genes: MICAL1 (microtubule associated monooxygenase, calponin and LIM domain containing 1; minus strand), ZBTB24 (zinc finger and BTB domain containing 24; minus strand). Cytogenetic location: 6q21.
Variant type: single nucleotide variant.
Molecular consequence: 3 prime UTR variant (on NM_014797.3). On other transcripts: missense variant (1).
Genome position: GRCh38 VCF-style: chr6-109465671-A-G. GRCh37 (hg19) VCF-style: chr6-109786874-A-G.
Other names: c.7T>C, p.Cys3Arg (NM_001286613.2); c.*180T>C (NM_014797.3); short protein forms C3R.
Identifiers: ClinVar variation 2845768 (VCV002845768.3), dbSNP rs2482849553, ClinGen allele CA365193044.

ClinVar aggregate classification (germline): Uncertain significance (1 of 4 stars; one submission).

Submission:

Labcorp Genetics (formerly Invitae), Labcorp
Classification: Uncertain significance. Last evaluated: 2023-07-18. Review status: criteria provided, single submitter. Criteria: Invitae Variant Classification Sherloc (09022015). Collection method: clinical testing. Allele origin: germline.
Comment: In summary, the available evidence is currently insufficient to determine the role of this variant in disease. Therefore, it has been classified as a Variant of Uncertain Significance. Experimental studies and prediction algorithms are not available or were not evaluated, and the functional significance of this variant is currently unknown. This variant has not been reported in the literature in individuals affected with MICAL1-related conditions. This variant is not present in population databases (gnomAD no frequency). This sequence change replaces cysteine, which is neutral and slightly polar, with arginine, which is basic and polar, at codon 3 of the MICAL1 protein (p.Cys3Arg).